The following is an entry in ClinVar:

NM_001394062.1(MACF1):c.16469G>A (p.Arg5490Gln)

Gene: MACF1 (microtubule actin crosslinking factor 1; plus strand). Cytogenetic location: 1p34.3.
Variant type: single nucleotide variant.
Coding change: c.16469G>A on transcript NM_001394062.1 (MANE Select); coding-DNA position 16469, G replaced by A.
Protein change: p.Arg5490Gln; replaces arginine 5490 with glutamine.
Molecular consequence: missense variant.
Genome position (GRCh38, 1-based): chr1:39,427,607, G>A. VCF-style: chr1-39427607-G-A. GRCh37 (hg19) VCF-style: chr1-39893279-G-A.
Other names: c.4865G>A, p.Arg1622Gln (NM_001397473.1); c.10283G>A, p.Arg3428Gln (NM_012090.5); short protein forms R3428Q, R1622Q, R5490Q.
Identifiers: ClinVar variation 2263516 (VCV002263516.3), dbSNP rs926786251, ClinGen allele CA20938328.

ClinVar aggregate classification (germline): Uncertain significance. Review status: criteria provided, multiple submitters, no conflicts (2 of 4 stars). 2 submissions from 2 submitters: Uncertain significance (2). Last evaluated 2025-09-09.

Conditions:
Inborn genetic diseases. Identifiers: MedGen C0950123, MeSH D030342.

Allele frequency attached by ClinVar (database versions not stated): gnomAD exomes 0.00001; TOPMed 0.00001.
gnomAD v4.1: 18 of 1,613,736 alleles (0.0011%); highest among the groups gnomAD compares: Admixed American, 0.0033%; no homozygotes.

Submissions (2):

Women's Health and Genetics/Laboratory Corporation of America, LabCorp
Classification: Uncertain significance. Last evaluated: 2025-09-09. Review status: criteria provided, single submitter. Criteria: LabCorp Variant Classification Summary - May 2015. Collection method: clinical testing. Allele origin: germline.
Comment: Variant summary: MACF1 c.10283G>A (p.Arg3428Gln) results in a conservative amino acid change in the encoded protein sequence. Algorithms developed to predict the effect of missense changes on protein structure and function are either unavailable or do not agree on the potential impact of this missense change. The variant allele was found at a frequency of 1.2e-05 in 250914 control chromosomes. The available data on variant occurrences in the general population are insufficient to allow any conclusion about variant significance. To our knowledge, no occurrence of c.10283G>A in individuals affected with MACF1-related conditions and no experimental evidence demonstrating its impact on protein function have been reported. ClinVar contains an entry for this variant (Variation ID: 2263516). Based on the evidence outlined above, the variant was classified as uncertain significance.

Ambry Genetics
Classification: Uncertain significance for Inborn genetic diseases. Last evaluated: 2021-12-03. Review status: criteria provided, single submitter. Criteria: Ambry Variant Classification Scheme 2023. Collection method: clinical testing. Allele origin: germline.